The following is an entry in ClinVar:

NM_004553.6(NDUFS6):c.235G>A (p.Glu79Lys)

Gene: NDUFS6 (NADH:ubiquinone oxidoreductase subunit S6; plus strand). Cytogenetic location: 5p15.33.
Variant type: single nucleotide variant.
Coding change: c.235G>A on transcript NM_004553.6 (MANE Select); coding-DNA position 235, G replaced by A.
Protein change: p.Glu79Lys; replaces glutamic acid 79 with lysine.
Molecular consequence: missense variant.
Genome position (GRCh38, 1-based): chr5:1,814,387, G>A. VCF-style: chr5-1814387-G-A. GRCh37 (hg19) VCF-style: chr5-1814501-G-A.
Other names: short protein forms E79K.
Identifiers: ClinVar variation 4540122 (VCV004540122.1).

ClinVar aggregate classification (germline): Uncertain significance (1 of 4 stars; one submission).

gnomAD v4.1: 78 of 1,614,082 alleles (0.0048%); highest among the groups gnomAD compares: Non-Finnish European, 0.0062%; no homozygotes.

Submission:

GeneDx
Classification: Uncertain significance. Last evaluated: 2025-06-23. Review status: criteria provided, single submitter. Criteria: GeneDx Variant Classification Process June 2021. Collection method: clinical testing. Allele origin: germline. Affected: yes.
Comment: Not observed at significant frequency in large population cohorts (gnomAD); In silico analysis suggests that this missense variant does not alter protein structure/function; Has not been previously published as pathogenic or benign to our knowledge